The following is an entry in ClinVar:

ClinVar aggregate classification (germline): Conflicting classifications of pathogenicity. Review status: criteria provided, conflicting classifications (1 of 4 stars). 6 submissions from 6 submitters: Uncertain significance (3); Likely benign (3). Last evaluated 2024-08-05.

Conditions:
Lymphangiomyomatosis (LAM). Also called: Lymphangioleiomyomatosis, somatic; Lymphangioleiomyomatosis. Identifiers: Orphanet 538, MedGen C0751674, MONDO:0011705, OMIM 606690.
Isolated focal cortical dysplasia type II (FCORD2). Also called: Focal cortical dysplasia type II; CORTICAL DYSPLASIA OF TAYLOR. Identifiers: Orphanet 268994, MedGen C1846385, MONDO:0011818, OMIM 607341, HP:0032051.
Tuberous sclerosis 2 (TSC2). Identifiers: Orphanet 805, MedGen C1860707, MONDO:0013199, OMIM 613254.
Hereditary cancer-predisposing syndrome. Also called: Neoplastic Syndromes, Hereditary; Hereditary Cancer Syndrome; Tumor predisposition; Hereditary neoplastic syndrome. Identifiers: Orphanet 140162, MedGen C0027672, MeSH D009386, MONDO:0015356.
Tuberous sclerosis syndrome (TSC). Also called: Tuberous sclerosis; Tuberous Sclerosis Complex. Identifiers: Orphanet 805, MedGen C0041341, MONDO:0001734.

Allele frequency attached by ClinVar (database versions not stated): gnomAD exomes below 0.00001; TOPMed 0.00001.
gnomAD v4.1: 3 of 1,600,160 alleles (0.00019%); highest among the groups gnomAD compares: Non-Finnish European, 0.00025%; no homozygotes.

Submissions (6):

Ambry Genetics
Classification: Likely benign for Hereditary cancer-predisposing syndrome. Last evaluated: 2024-08-05. Review status: criteria provided, single submitter. Criteria: Ambry Variant Classification Scheme 2023. Collection method: clinical testing. Allele origin: germline.

Fulgent Genetics
Classification: Uncertain significance for Lymphangiomyomatosis; Isolated focal cortical dysplasia type II; Tuberous sclerosis 2. Last evaluated: 2024-04-30. Review status: criteria provided, single submitter. Criteria: ACMG Guidelines, 2015. Collection method: clinical testing. Allele origin: germline.

Labcorp Genetics (formerly Invitae), Labcorp
Classification: Likely benign for Tuberous sclerosis 2. Last evaluated: 2023-12-06. Review status: criteria provided, single submitter. Criteria: Invitae Variant Classification Sherloc (09022015). Collection method: clinical testing. Allele origin: germline.

All of Us Research Program, National Institutes of Health
Classification: Likely benign for Tuberous sclerosis syndrome. Last evaluated: 2023-04-03. Review status: criteria provided, single submitter. Criteria: ACMG Guidelines, 2015. Collection method: clinical testing. Allele origin: germline. Inheritance: Autosomal dominant inheritance. Observed: 1 variant allele, 1 heterozygote.
Comment: This study involves interpretation of variants in research participants for the purpose of population health screening. Participant phenotype was not available at the time of variant classification. Additional details can be found in publication PMID: 35346344, PMCID: PMC8962531

Genome-Nilou Lab
Classification: Uncertain significance for Tuberous sclerosis 2. Last evaluated: 2021-11-07. Review status: criteria provided, single submitter. Criteria: ACMG Guidelines, 2015. Collection method: clinical testing. Allele origin: germline. Affected: no.

GeneDx
Classification: Uncertain significance. Last evaluated: 2020-11-27. Review status: criteria provided, single submitter. Criteria: GeneDx Variant Classification Process June 2021. Collection method: clinical testing. Allele origin: germline. Affected: yes.
Comment: Not observed in large population cohorts (Lek et al., 2016); In silico analysis supports a deleterious effect on splicing; Has not been previously published as pathogenic or benign to our knowledge

NM_000548.5(TSC2):c.4416C>T (p.Gly1472=)

Gene: TSC2 (TSC complex subunit 2; plus strand). Cytogenetic location: 16p13.3.
Variant type: single nucleotide variant.
Coding change: c.4416C>T on transcript NM_000548.5 (MANE Select); coding-DNA position 4416, C replaced by T.
Protein change: p.Gly1472=; no amino-acid change (glycine 1472 retained).
Molecular consequence: synonymous variant.
Genome position (GRCh38, 1-based): chr16:2,084,638, C>T. VCF-style: chr16-2084638-C-T. GRCh37 (hg19) VCF-style: chr16-2134639-C-T.
Other names: c.4215C>T, p.Gly1405= (NM_001077183.3); c.4347C>T, p.Gly1449= (NM_001114382.3); c.4107C>T, p.Gly1369= (NM_001318827.2); c.4071C>T, p.Gly1357= (NM_001318829.2); c.3684C>T, p.Gly1228= (NM_001318831.2); c.4248C>T, p.Gly1416= (NM_001318832.2); c.4218C>T, p.Gly1406= (NM_001363528.2); c.4284C>T, p.Gly1428= (NM_001370404.1); and 1 more.
Identifiers: ClinVar variation 1036049 (VCV001036049.15), dbSNP rs2090534289, ClinGen allele CA493043331.